The following is an entry in ClinVar:

NM_004260.4(RECQL4):c.2195C>T (p.Ser732Phe)

Gene: RECQL4 (RecQ like helicase 4; minus strand). Cytogenetic location: 8q24.3.
Variant type: single nucleotide variant.
Coding change: c.2195C>T on transcript NM_004260.4 (MANE Select); coding-DNA position 2195, C replaced by T.
Protein change: p.Ser732Phe; replaces serine 732 with phenylalanine.
Molecular consequence: missense variant.
Genome position (GRCh38, 1-based): chr8:144,513,576, G>A on the plus strand (C>T on the coding strand, the complement: RECQL4 is on the minus strand). VCF-style: chr8-144513576-G-A. GRCh37 (hg19) VCF-style: chr8-145738960-G-A.
Other names: short protein forms S732F.
Identifiers: ClinVar variation 529035 (VCV000529035.8), dbSNP rs1060501366, ClinGen allele CA372679568.

ClinVar aggregate classification (germline): Uncertain significance. Review status: criteria provided, multiple submitters, no conflicts (2 of 4 stars). 3 submissions from 3 submitters: Uncertain significance (3). Last evaluated 2025-01-04.

Conditions:
Baller-Gerold syndrome (BGS). Also called: CRANIOSYNOSTOSIS WITH RADIAL DEFECTS. Identifiers: Orphanet 1225, MedGen C0265308, MONDO:0009039, OMIM 218600.
Inborn genetic diseases. Identifiers: MedGen C0950123, MeSH D030342.

Submissions (3):

Ambry Genetics
Classification: Uncertain significance for Inborn genetic diseases. Last evaluated: 2025-01-04. Review status: criteria provided, single submitter. Criteria: Ambry Variant Classification Scheme 2023. Collection method: clinical testing. Allele origin: germline.
Comment: The p.S732F variant (also known as c.2195C>T), located in coding exon 13 of the RECQL4 gene, results from a C to T substitution at nucleotide position 2195. The serine at codon 732 is replaced by phenylalanine, an amino acid with highly dissimilar properties. This amino acid position is conserved. In addition, this alteration is predicted to be tolerated by in silico analysis. Based on the available evidence, the clinical significance of this variant remains unclear.

Institute for Clinical Genetics, University Hospital TU Dresden, University Hospital TU Dresden
Classification: Uncertain significance. Last evaluated: 2021-11-03. Review status: criteria provided, single submitter. Criteria: ACMG Guidelines, 2015. Collection method: clinical testing. Allele origin: germline.

Labcorp Genetics (formerly Invitae), Labcorp
Classification: Uncertain significance for Baller-Gerold syndrome. Last evaluated: 2017-10-10. Review status: criteria provided, single submitter. Criteria: Invitae Variant Classification Sherloc (09022015). Collection method: clinical testing. Allele origin: germline.
Comment: This variant has not been reported in the literature in individuals with RECQL4-related disease. This sequence change replaces serine with phenylalanine at codon 732 of the RECQL4 protein (p.Ser732Phe). The serine residue is weakly conserved and there is a large physicochemical difference between serine and phenylalanine. This variant is not present in population databases (ExAC no frequency). Algorithms developed to predict the effect of missense changes on protein structure and function output the following: SIFT: "Tolerated"; PolyPhen-2: "Benign"; Align-GVGD: "Class C0". The phenylalanine amino acid residue is found in multiple mammalian species, suggesting that this missense change does not adversely affect protein function. These predictions have not been confirmed by published functional studies and their clinical significance is uncertain. In summary, the available evidence is currently insufficient to determine the role of this variant in disease. Therefore, it has been classified as a Variant of Uncertain Significance.